The following is an entry in ClinVar:

ClinVar aggregate classification (germline): Pathogenic (1 of 4 stars; one submission).

Conditions:
MHC class II deficiency. Also called: Bare lymphocyte syndrome 2; BLS, TYPE II. Identifiers: Orphanet 572, MedGen C5447452, MONDO:0008855.

Submission:

Labcorp Genetics (formerly Invitae), Labcorp
Classification: Pathogenic for MHC class II deficiency. Last evaluated: 2023-08-25. Review status: criteria provided, single submitter. Criteria: Invitae Variant Classification Sherloc (09022015). Collection method: clinical testing. Allele origin: germline.
Comment: This variant is not present in population databases (gnomAD no frequency). For these reasons, this variant has been classified as Pathogenic. This premature translational stop signal has been observed in individual(s) with CIITA-related conditions (PMID: 11862382). This sequence change creates a premature translational stop signal (p.Trp688*) in the CIITA gene. It is expected to result in an absent or disrupted protein product. Loss-of-function variants in CIITA are known to be pathogenic (PMID: 8402893, 9099848, 26271388).

Literature cited by the submitters: PubMed 11862382; PubMed 8402893; PubMed 9099848; PubMed 26271388.

NM_000246.4(CIITA):c.2064G>A (p.Trp688Ter)

Gene: CIITA (class II major histocompatibility complex transactivator; plus strand). Cytogenetic location: 16p13.13.
Variant type: single nucleotide variant.
Coding change: c.2064G>A on transcript NM_000246.4 (MANE Select); coding-DNA position 2064, G replaced by A.
Protein change: p.Trp688Ter; replaces tryptophan 688 with a stop codon.
Molecular consequence: nonsense. On other transcripts: intron variant (1).
Genome position (GRCh38, 1-based): chr16:10,907,556, G>A. VCF-style: chr16-10907556-G-A. GRCh37 (hg19) VCF-style: chr16-11001413-G-A.
Other names: c.2067G>A, p.Trp689Ter (NM_001286402.1, NM_001379332.1); c.1920G>A, p.Trp640Ter (NM_001379330.1); c.1917G>A, p.Trp639Ter (NM_001379331.1); c.2064G>A, p.Trp688Ter (NM_001379333.1); c.1995G>A, p.Trp665Ter (NM_001379334.1); c.860-1427G>A (NM_001286403.2); short protein forms W665*, W688*, W639*, W640*, W689*.
Identifiers: ClinVar variation 2755111 (VCV002755111.3), dbSNP rs2544489480, ClinGen allele CA394732316.